The following is an entry in ClinVar:

NM_001572.5(IRF7):c.1452C>T (p.Ser484=)

Gene: IRF7 (interferon regulatory factor 7; minus strand). Cytogenetic location: 11p15.5.
Variant type: single nucleotide variant.
Coding change: c.1452C>T on transcript NM_001572.5 (MANE Select); coding-DNA position 1452, C replaced by T.
Protein change: p.Ser484=; no amino-acid change (serine 484 retained).
Molecular consequence: synonymous variant.
Genome position (GRCh38, 1-based): chr11:612,705, G>A on the plus strand (C>T on the coding strand, the complement: IRF7 is on the minus strand). VCF-style: chr11-612705-G-A. GRCh37 (hg19) VCF-style: chr11-612705-G-A.
Other names: c.1365C>T, p.Ser455= (NM_004029.4); c.1491C>T, p.Ser497= (NM_004031.4); c.1491C>T (NM_004031.2).
Identifiers: ClinVar variation 2068651 (VCV002068651.6), dbSNP rs144437378, ClinGen allele CA5783440.

ClinVar aggregate classification (germline): Likely benign. Review status: criteria provided, single submitter (1 of 4 stars). 2 submissions from 2 submitters: Likely benign (1). 1 of the submissions does not count toward it. Last evaluated 2025-12-20.

Conditions:
Immunodeficiency 39 (IMD39). Identifiers: Orphanet 574918, MedGen C4225358, MONDO:0014597, OMIM 616345.
IRF7-related disorder. Also called: IRF7-related condition.

Allele frequency attached by ClinVar (database versions not stated): gnomAD exomes 0.00005; TOPMed 0.00006; gnomAD 0.00007; ExAC 0.00012; ESP Exome Variant Server 0.00015; 1000 Genomes Project 30x 0.00016.
gnomAD v4.1: 81 of 1,612,948 alleles (0.005%); highest among the groups gnomAD compares: Admixed American, 0.018%; no homozygotes.

Submissions (2):

Labcorp Genetics (formerly Invitae), Labcorp
Classification: Likely benign for Immunodeficiency 39. Last evaluated: 2025-12-20. Review status: criteria provided, single submitter. Criteria: Invitae Variant Classification Sherloc (09022015). Collection method: clinical testing. Allele origin: germline.

PreventionGenetics, part of Exact Sciences
Classification: Likely benign for IRF7-related condition. Last evaluated: 2019-07-15. Review status: no assertion criteria provided. Collection method: clinical testing. Allele origin: germline. Not counted in ClinVar's aggregate classification.
Comment: This variant is classified as likely benign based on ACMG/AMP sequence variant interpretation guidelines (Richards et al. 2015 PMID: 25741868, with internal and published modifications).